The following is an entry in ClinVar:

ClinVar aggregate classification (germline): Conflicting classifications of pathogenicity. Review status: criteria provided, conflicting classifications (1 of 4 stars). 4 submissions from 4 submitters: Uncertain significance (3); Likely benign (1). Last evaluated 2024-05-12.

Conditions:
Hereditary cancer-predisposing syndrome. Also called: Tumor predisposition; Hereditary Cancer Syndrome; Hereditary neoplastic syndrome; Neoplastic Syndromes, Hereditary. Identifiers: Orphanet 140162, MedGen C0027672, MeSH D009386, MONDO:0015356.
Hereditary breast ovarian cancer syndrome. Also called: Hereditary breast and ovarian cancer; Hereditary breast and/or ovarian cancer syndrome; BRCA1- and BRCA2-Associated Hereditary Breast and Ovarian Cancer; Hereditary breast and ovarian cancer syndrome; Hereditary breast and ovarian cancer syndrome (HBOC); Breast and ovarian cancer. Identifiers: Orphanet 145, MedGen C0677776, MeSH D061325, MONDO:0003582. Disease mechanism: loss of function.

Submissions (4):

Ambry Genetics
Classification: Uncertain significance for Hereditary cancer-predisposing syndrome. Last evaluated: 2024-05-12. Review status: criteria provided, single submitter. Criteria: Ambry Variant Classification Scheme 2023. Collection method: clinical testing. Allele origin: germline.
Comment: The p.C1913Y variant (also known as c.5738G>A), located in coding exon 10 of the BRCA2 gene, results from a G to A substitution at nucleotide position 5738. The cysteine at codon 1913 is replaced by tyrosine, an amino acid with highly dissimilar properties. This amino acid position is not well conserved in available vertebrate species. In addition, this alteration is predicted to be tolerated by in silico analysis. Since supporting evidence is limited at this time, the clinical significance of this alteration remains unclear.

Color Diagnostics, LLC DBA Color Health
Classification: Uncertain significance for Hereditary cancer-predisposing syndrome. Last evaluated: 2023-12-05. Review status: criteria provided, single submitter. Criteria: ACMG Guidelines, 2015. Collection method: clinical testing. Allele origin: germline.
Comment: This missense variant replaces cysteine with tyrosine at codon 1913 of the BRCA2 protein. Computational prediction suggests that this variant may not impact protein structure and function (internally defined REVEL score threshold <= 0.5, PMID: 27666373). To our knowledge, functional studies have not been reported for this variant. This variant has not been reported in individuals affected with BRCA2-related disorders in the literature. This variant has not been identified in the general population by the Genome Aggregation Database (gnomAD). The available evidence is insufficient to determine the role of this variant in disease conclusively. Therefore, this variant is classified as a Variant of Uncertain Significance.

Labcorp Genetics (formerly Invitae), Labcorp
Classification: Uncertain significance for Hereditary breast ovarian cancer syndrome. Last evaluated: 2023-06-09. Review status: criteria provided, single submitter. Criteria: Invitae Variant Classification Sherloc (09022015). Collection method: clinical testing. Allele origin: germline.
Comment: This variant has not been reported in the literature in individuals affected with BRCA2-related conditions. ClinVar contains an entry for this variant (Variation ID: 409544). Advanced modeling of protein sequence and biophysical properties (such as structural, functional, and spatial information, amino acid conservation, physicochemical variation, residue mobility, and thermodynamic stability) performed at Invitae indicates that this missense variant is not expected to disrupt BRCA2 protein function. In summary, the available evidence is currently insufficient to determine the role of this variant in disease. Therefore, it has been classified as a Variant of Uncertain Significance. This variant is not present in population databases (gnomAD no frequency). This sequence change replaces cysteine, which is neutral and slightly polar, with tyrosine, which is neutral and polar, at codon 1913 of the BRCA2 protein (p.Cys1913Tyr).

University of Washington Department of Laboratory Medicine, University of Washington
Classification: Likely benign for Hereditary cancer-predisposing syndrome. Last evaluated: 2023-03-23. Review status: criteria provided, single submitter. Criteria: Dines et al. (Genet Med. 2020). Collection method: curation. Allele origin: germline.
Comment: Missense variant in a coldspot region where missense variants are very unlikely to be pathogenic (PMID:31911673).

BRCA2 exon 11 coldspot. Reclassification based on statistical prior probability.

NM_000059.4(BRCA2):c.5738G>A (p.Cys1913Tyr)

Gene: BRCA2 (BRCA2 DNA repair associated; plus strand). Cytogenetic location: 13q13.1.
Variant type: single nucleotide variant.
Coding change: c.5738G>A on transcript NM_000059.4 (MANE Select); coding-DNA position 5738, G replaced by A.
Protein change: p.Cys1913Tyr; replaces cysteine 1913 with tyrosine.
Molecular consequence: missense variant.
Genome position (GRCh38, 1-based): chr13:32,340,093, G>A. VCF-style: chr13-32340093-G-A. GRCh37 (hg19) VCF-style: chr13-32914230-G-A.
Other names: short protein forms C1913Y.
Identifiers: ClinVar variation 409544 (VCV000409544.18), dbSNP rs1060502460, ClinGen allele CA16613982.
Genomic context (GRCh38, chr13:32,340,093, plus strand): 5'-GTTACGAGGCATTGGATGATTCAGAGGATATTCTTCATAACTCTCTAGATAATGATGAAT[G>A]TAGCACGCATTCACATAAGGTTTTTGCTGACATTCAGAGTGAAGAAATTTTACAACATAA-3'
Protein context (NP_000050.3, residues 1903-1923): ILHNSLDNDE[Cys1913Tyr]STHSHKVFAD